The following is an entry in ClinVar:

NC_000011.9:g.(?_44146456)_(44156975_?)del

Gene: EXT2 (exostosin glycosyltransferase 2; plus strand). Cytogenetic location: 11p11.2.
Variant type: Deletion.
Identifiers: ClinVar variation 3244623 (VCV003244623.1).

ClinVar aggregate classification (germline): Pathogenic (1 of 4 stars; one submission).

Conditions:
Exostoses, multiple, type 2 (EXT2). Also called: Hereditary Multiple Osteochondromatosis, Type II; EXOSTOSES, MULTIPLE, TYPE II. Identifiers: Orphanet 321, MedGen C1851413, MONDO:0007586, OMIM 133701.

Submission:

Labcorp Genetics (formerly Invitae), Labcorp
Classification: Pathogenic for Exostoses, multiple, type 2. Last evaluated: 2018-10-04. Review status: criteria provided, single submitter. Criteria: Invitae Variant Classification Sherloc (09022015). Collection method: clinical testing. Allele origin: unknown.
Comment: For these reasons, this variant has been classified as Pathogenic. Loss-of-function variants in EXT2 are known to be pathogenic (PMID: 19810120). A similar deletion has been observed in an individual affected with¬†hereditary multiple osteochondromatosis¬†(PMID:¬†22258776). This variant is a deletion of the genomic region encompassing exons 6-7 and part of exon 5 (c.861_1173+5287del) of the EXT2 gene. It is expected to disrupt RNA splicing and likely results in an absent or disrupted protein product.

Literature cited by the submitters: PubMed 19810120.